The following is an entry in ClinVar:

NM_004168.4(SDHA):c.116G>T (p.Gly39Val)

Gene: SDHA (succinate dehydrogenase complex flavoprotein subunit A; plus strand). Cytogenetic location: 5p15.33.
Variant type: single nucleotide variant.
Coding change: c.116G>T on transcript NM_004168.4 (MANE Select); coding-DNA position 116, G replaced by T.
Protein change: p.Gly39Val; replaces glycine 39 with valine.
Molecular consequence: missense variant.
Genome position (GRCh38, 1-based): chr5:223,534, G>T. VCF-style: chr5-223534-G-T. GRCh37 (hg19) VCF-style: chr5-223649-G-T.
Other names: c.116G>T, p.Gly39Val (NM_001294332.2, NM_001330758.2); short protein forms G39V.
Identifiers: ClinVar variation 2926590 (VCV002926590.3), dbSNP rs2477280536, ClinGen allele CA359008196.

ClinVar aggregate classification (germline): Uncertain significance (1 of 4 stars; one submission).

Conditions:
Mitochondrial complex II deficiency, nuclear type 1. Also called: SUCCINATE CoQ REDUCTASE DEFICIENCY. Identifiers: Orphanet 3208, MedGen C5700310, MONDO:0100294, OMIM 252011.
Pheochromocytoma/paraganglioma syndrome 5. Also called: Paragangliomas 5; SDHA-Related Hereditary Paraganglioma-Pheochromocytoma Syndrome. Identifiers: Orphanet 29072, MedGen C3279992, MONDO:0013602, OMIM 614165.

Submission:

Labcorp Genetics (formerly Invitae), Labcorp
Classification: Uncertain significance for Pheochromocytoma/paraganglioma syndrome 5; Mitochondrial complex II deficiency, nuclear type 1. Last evaluated: 2023-04-21. Review status: criteria provided, single submitter. Criteria: Invitae Variant Classification Sherloc (09022015). Collection method: clinical testing. Allele origin: germline.
Comment: In summary, the available evidence is currently insufficient to determine the role of this variant in disease. Therefore, it has been classified as a Variant of Uncertain Significance. Advanced modeling of protein sequence and biophysical properties (such as structural, functional, and spatial information, amino acid conservation, physicochemical variation, residue mobility, and thermodynamic stability) performed at Invitae indicates that this missense variant is not expected to disrupt SDHA protein function. This variant has not been reported in the literature in individuals affected with SDHA-related conditions. This variant is not present in population databases (gnomAD no frequency). This sequence change replaces glycine, which is neutral and non-polar, with valine, which is neutral and non-polar, at codon 39 of the SDHA protein (p.Gly39Val).